The following is an entry in ClinVar:

ClinVar aggregate classification (germline): Likely benign (1 of 4 stars; one submission).

gnomAD v4.1: 2 of 1,614,048 alleles (0.00012%); highest among the groups gnomAD compares: African/African-American, 0.0027%; no homozygotes.

Submission:

CeGaT Center for Human Genetics Tuebingen
Classification: Likely benign. Last evaluated: 2024-11-01. Review status: criteria provided, single submitter. Criteria: CeGaT Center For Human Genetics Tuebingen Variant Classification Criteria Version 2. Collection method: clinical testing. Allele origin: germline. Affected: yes. Observed: 1 variant allele.
Comment: PKHD1: BP4, BP7

NM_138694.4(PKHD1):c.3903A>G (p.Pro1301=)

Gene: PKHD1 (PKHD1 ciliary IPT domain containing fibrocystin/polyductin; minus strand). Cytogenetic location: 6p12.2.
Variant type: single nucleotide variant.
Coding change: c.3903A>G on transcript NM_138694.4 (MANE Select); coding-DNA position 3903, A replaced by G.
Protein change: p.Pro1301=; no amino-acid change (proline 1301 retained).
Molecular consequence: synonymous variant.
Genome position (GRCh38, 1-based): chr6:52,025,907, T>C on the plus strand (A>G on the coding strand, the complement: PKHD1 is on the minus strand). VCF-style: chr6-52025907-T-C. GRCh37 (hg19) VCF-style: chr6-51890705-T-C.
Other names: c.3903A>G, p.Pro1301= (NM_170724.3).
Identifiers: ClinVar variation 3390153 (VCV003390153.14).